The following is an entry in ClinVar:

NM_001127222.2(CACNA1A):c.400-1G>A

Gene: CACNA1A (calcium voltage-gated channel subunit alpha1 A; minus strand). Cytogenetic location: 19p13.13.
Variant type: single nucleotide variant.
Coding change: c.400-1G>A on transcript NM_001127222.2 (MANE Select); the canonical splice acceptor site of the intron before coding-DNA position 400, G replaced by A.
Molecular consequence: splice acceptor variant.
Genome position (GRCh38, 1-based): chr19:13,453,016, C>T on the plus strand (G>A on the coding strand, the complement: CACNA1A is on the minus strand). VCF-style: chr19-13453016-C-T. GRCh37 (hg19) VCF-style: chr19-13563830-C-T.
Other names: c.400-1G>A (NM_001127221.2, NM_001174080.2, NM_000068.4 and 1 more transcripts).
Identifiers: ClinVar variation 2413048 (VCV002413048.5), dbSNP rs2513503912, ClinGen allele CA404967728.

ClinVar aggregate classification (germline): Pathogenic (1 of 4 stars; one submission).

Submission:

GeneDx
Classification: Pathogenic. Last evaluated: 2023-10-24. Review status: criteria provided, single submitter. Criteria: GeneDx Variant Classification Process June 2021. Collection method: clinical testing. Allele origin: germline.
Comment: Not observed at significant frequency in large population cohorts (gnomAD); Has not been previously published as pathogenic or benign to our knowledge; Canonical splice site variant predicted to result in a null allele in a gene for which loss of function is a known mechanism of disease